The following is an entry in ClinVar:

NM_001011658.4(TRAPPC2):c.368del (p.Arg122_Ser123insTer)

Gene: TRAPPC2 (trafficking protein particle complex subunit 2; minus strand). Cytogenetic location: Xp22.2.
Variant type: Deletion.
Coding change: c.368del on transcript NM_001011658.4 (MANE Select); coding-DNA position 368, one base deleted (C; older notation c.368delC).
Protein change: p.Arg122_Ser123insTer.
Molecular consequence: nonsense.
Genome position (GRCh38, 1-based): chrX:13,714,462, G deleted on the plus strand (C on the coding strand, the reverse complement: TRAPPC2 is on the minus strand). VCF-style (leftmost placement, unchanged base first): chrX-13714461-TG-T. GRCh37 (hg19) VCF-style: chrX-13732580-TG-T.
Other names: c.470del, p.Arg156_Ser157insTer (NM_001128835.3); c.368del, p.Arg122_Ser123insTer (NM_014563.6).
Identifiers: ClinVar variation 5019168 (VCV005019168.1).

ClinVar aggregate classification (germline): Likely pathogenic (1 of 4 stars; one submission).

Conditions:
Spondyloepiphyseal dysplasia tarda, X-linked. Also called: SED TARDA, X-LINKED. Identifiers: MedGen C3541456, MONDO:0010737, OMIM 313400.

Submission:

Juno Genomics, Hangzhou Juno Genomics, Inc
Classification: Likely pathogenic for Spondyloepiphyseal dysplasia tarda, X-linked. Review status: criteria provided, single submitter. Criteria: ACMG Guidelines, 2015. Collection method: clinical testing. Allele origin: germline. Affected: yes.
Comment: Absent from controls (or at extremely low frequency if recessive) in Genome Aggregation Database.;Null variant in a gene where loss of function (LOF) is a known mechanism of disease.;Patient's phenotype or family history is highly specific for a disease with a single genetic etiology.